The following is an entry in ClinVar:

NM_001429.4(EP300):c.6599G>C (p.Gly2200Ala)

Gene: EP300 (EP300 lysine acetyltransferase; plus strand). Cytogenetic location: 22q13.2.
Variant type: single nucleotide variant.
Coding change: c.6599G>C on transcript NM_001429.4 (MANE Select); coding-DNA position 6599, G replaced by C.
Protein change: p.Gly2200Ala; replaces glycine 2200 with alanine.
Molecular consequence: missense variant.
Genome position (GRCh38, 1-based): chr22:41,178,310, G>C. VCF-style: chr22-41178310-G-C. GRCh37 (hg19) VCF-style: chr22-41574314-G-C.
Other names: c.6521G>C, p.Gly2174Ala (NM_001362843.2); short protein forms G2174A, G2200A.
Identifiers: ClinVar variation 2805341 (VCV002805341.3), dbSNP rs766113308, ClinGen allele CA324519559.

ClinVar aggregate classification (germline): Uncertain significance (1 of 4 stars; one submission).

Conditions:
Rubinstein-Taybi syndrome due to EP300 haploinsufficiency. Also called: RUBINSTEIN-TAYBI SYNDROME 2; EP300-Related Rubinstein-Taybi Syndrome. Identifiers: Orphanet 353284, Orphanet 783, MedGen C3150941, MONDO:0013364, OMIM 613684.

gnomAD v4.1: 4 of 1,614,178 alleles (0.00025%); highest among the groups gnomAD compares: Middle Eastern, 0.016%; no homozygotes.

Submission:

Labcorp Genetics (formerly Invitae), Labcorp
Classification: Uncertain significance for Rubinstein-Taybi syndrome due to EP300 haploinsufficiency. Last evaluated: 2023-05-11. Review status: criteria provided, single submitter. Criteria: Invitae Variant Classification Sherloc (09022015). Collection method: clinical testing. Allele origin: germline.
Comment: In summary, the available evidence is currently insufficient to determine the role of this variant in disease. Therefore, it has been classified as a Variant of Uncertain Significance. Advanced modeling of protein sequence and biophysical properties (such as structural, functional, and spatial information, amino acid conservation, physicochemical variation, residue mobility, and thermodynamic stability) performed at Invitae indicates that this missense variant is not expected to disrupt EP300 protein function. This variant has not been reported in the literature in individuals affected with EP300-related conditions. This variant is not present in population databases (gnomAD no frequency). This sequence change replaces glycine, which is neutral and non-polar, with alanine, which is neutral and non-polar, at codon 2200 of the EP300 protein (p.Gly2200Ala).